The following is an entry in ClinVar:

ClinVar aggregate classification (germline): Pathogenic (1 of 4 stars; one submission).

Conditions:
Microcephalic primordial dwarfism, Alazami type. Also called: FACIAL DYSMORPHISM, INTELLECTUAL DISABILITY, AND PRIMORDIAL DWARFISM; Alazami syndrome. Identifiers: Orphanet 319671, MedGen C3554439, MONDO:0014031, OMIM 615071.

Submission:

Women's Health and Genetics/Laboratory Corporation of America, LabCorp
Classification: Pathogenic for Microcephalic primordial dwarfism, Alazami type. Last evaluated: 2025-01-31. Review status: criteria provided, single submitter. Criteria: LabCorp Variant Classification Summary - May 2015. Collection method: clinical testing. Allele origin: germline.
Comment: Variant summary: LARP7 c.833_834delAA (p.Lys278ThrfsX5) results in a premature termination codon, predicted to cause a truncation of the encoded protein or absence of the protein due to nonsense mediated decay, which are commonly known mechanisms for disease. The frequency data for this variant in gnomAD is considered unreliable, as metrics indicate poor data quality at this position. To our knowledge, no occurrence of c.833_834delAA in individuals affected with Microcephalic Primordial Dwarfism, Alazami Type and no experimental evidence demonstrating its impact on protein function have been reported. No submitters have cited clinical-significance assessments for this variant to ClinVar. Based on the evidence outlined above, the variant was classified as pathogenic.

NM_016648.4(LARP7):c.833_834del (p.Lys278fs)

Genes: LARP7 (La ribonucleoprotein 7, transcriptional regulator; plus strand), MIR302CHG (miR-302/367 cluster host gene; minus strand). Cytogenetic location: 4q25.
Variant type: Deletion.
Coding change: c.833_834del on transcript NM_016648.4 (MANE Select); coding-DNA positions 833 to 834, 2 bases deleted (AA; older notation c.833_834delAA).
Protein change: p.Lys278fs; shifts the reading frame from lysine 278.
Molecular consequence: frameshift variant.
Genome position (GRCh38, 1-based): chr4:112,647,385-112,647,386, AA deleted; deleting any 2 consecutive bases within chr4:112,647,381-112,647,386 gives the same sequence; the c. name uses the placement nearest the transcript's 3' end. VCF-style (leftmost placement, unchanged base first): chr4-112647380-GAA-G. GRCh37 (hg19) VCF-style: chr4-113568536-GAA-G.
Other names: c.833_834del, p.Lys278fs (NM_001267039.4, NM_001370974.1, NM_001370975.1 and 2 more transcripts); c.830_831del, p.Lys277fs (NM_001370976.1, NM_001370977.1, NM_001370979.1 and 1 more transcripts); c.596_597del, p.Lys199fs (NM_001370981.1, NM_001370982.1); c.833_834delAA (NM_016648.4); short protein forms K199fs, K277fs, K278fs.
Identifiers: ClinVar variation 3769431 (VCV003769431.2).
Genomic context (GRCh38, chr4:112,647,380, plus strand): 5'-CACATCTGAGGGCTCTGACATTGAGTCCACTGAACCCCAAAAGCAGTGCTCAAAGAAAAA[GAA>G]AAAACGGGACAGAGTTGAAGCATCTAGCTTACCTGAAGTCAGAACAGGGAAGAGGAAGAG-3'